The following is an entry in ClinVar:

NM_016026.4(RDH11):c.215G>C (p.Cys72Ser)

Genes: GPHN (gephyrin; plus strand), RDH11 (retinol dehydrogenase 11; minus strand). Cytogenetic location: 14q24.1.
Variant type: single nucleotide variant.
Coding change: c.215G>C on transcript NM_016026.4 (MANE Select); coding-DNA position 215, G replaced by C.
Protein change: p.Cys72Ser; replaces cysteine 72 with serine.
Molecular consequence: missense variant.
Genome position (GRCh38, 1-based): chr14:67,692,572, C>G on the plus strand (G>C on the coding strand, the complement: RDH11 is on the minus strand). VCF-style: chr14-67692572-C-G. GRCh37 (hg19) VCF-style: chr14-68159289-C-G.
Other names: c.215G>C, p.Cys72Ser (NM_001252650.2); short protein forms C72S.
Identifiers: ClinVar variation 938648 (VCV000938648.9), dbSNP rs1210444698, ClinGen allele CA390136850.

ClinVar aggregate classification (germline): Uncertain significance (1 of 4 stars; one submission).

Allele frequency attached by ClinVar (database versions not stated): gnomAD 0.00001; gnomAD exomes 0.00001.
gnomAD v4.1: 9 of 1,599,214 alleles (0.00056%); highest among the groups gnomAD compares: East Asian, 0.018%; no homozygotes.

Submission:

Labcorp Genetics (formerly Invitae), Labcorp
Classification: Uncertain significance. Last evaluated: 2024-10-08. Review status: criteria provided, single submitter. Criteria: Invitae Variant Classification Sherloc (09022015). Collection method: clinical testing. Allele origin: germline.
Comment: This sequence change replaces cysteine, which is neutral and slightly polar, with serine, which is neutral and polar, at codon 72 of the RDH11 protein (p.Cys72Ser). This variant is present in population databases (no rsID available, gnomAD 0.02%). This variant has not been reported in the literature in individuals affected with RDH11-related conditions. ClinVar contains an entry for this variant (Variation ID: 938648). An algorithm developed to predict the effect of missense changes on protein structure and function (PolyPhen-2) suggests that this variant is likely to be disruptive. In summary, the available evidence is currently insufficient to determine the role of this variant in disease. Therefore, it has been classified as a Variant of Uncertain Significance.